The following is an entry in ClinVar:

NM_000169.3(GLA):c.330_331del (p.Gln111fs)

Genes: GLA (galactosidase alpha; minus strand), RPL36A-HNRNPH2 (RPL36A-HNRNPH2 readthrough; plus strand). Cytogenetic location: Xq22.1.
Variant type: Deletion.
Coding change: c.330_331del on transcript NM_000169.3 (MANE Select); coding-DNA positions 330 to 331, 2 bases deleted (TC; older notation c.330_331delTC).
Protein change: p.Gln111fs; shifts the reading frame from glutamine 111.
Molecular consequence: frameshift variant. On other transcripts: non-coding transcript variant (3), intron variant (2).
Genome position (GRCh38, 1-based): chrX:101,403,849-101,403,850, GA deleted on the plus strand (TC on the coding strand, the reverse complement: GLA is on the minus strand); deleting any 2 consecutive bases within chrX:101,403,849-101,403,851 gives the same sequence; the c. name uses the placement nearest the transcript's 3' end. VCF-style (leftmost placement, unchanged base first): chrX-101403848-TGA-T. GRCh37 (hg19) VCF-style: chrX-100658836-TGA-T.
Other names: c.453_454del, p.Gln152fs (NM_001406747.1, NM_001406749.1); c.330_331del, p.Gln111fs (NM_001406748.1); c.301-8086_301-8085del (NM_001199973.2); c.178-8086_178-8085del (NM_001199974.2); short protein forms Q111fs, Q152fs.
Identifiers: ClinVar variation 1726657 (VCV001726657.2), dbSNP rs2520912584, ClinGen allele CA2580100097.

ClinVar aggregate classification (germline): Likely pathogenic (1 of 4 stars; one submission).

Conditions:
Fabry disease. Also called: CERAMIDE TRIHEXOSIDASE DEFICIENCY; GLA DEFICIENCY; HEREDITARY DYSTOPIC LIPIDOSIS; Fabry's disease; ALPHA-GALACTOSIDASE A DEFICIENCY; ANDERSON-FABRY DISEASE. Identifiers: Orphanet 324, MedGen C0002986, MONDO:0010526, OMIM 301500, HP:0001071. Disease mechanism: Fabry disease is due to inactivating mutations in the X-linked GLA gene resulting in deficiency of the enzyme Alpha Galactosidase-A., loss of function.

Submission:

Myriad Genetics, Inc.
Classification: Likely pathogenic for Fabry disease. Last evaluated: 2021-12-30. Review status: criteria provided, single submitter. Criteria: Myriad Women's Health Autosomal Recessive and X-Linked Classification Criteria (2021). Collection method: clinical testing. Allele origin: unknown.
Comment: NM_000169.2(GLA):c.330_331delTC(Q111Afs*11) is expected to be pathogenic in the context of Fabry disease. This variant is predicted to lead to an abnormal or absent protein product due to the creation of a premature termination codon in GLA, a gene where loss-of-function variants are known to be pathogenic. Please note: this variant was assessed in the context of healthy population screening.